The following is an entry in ClinVar:

ClinVar aggregate classification (germline): Uncertain significance (1 of 4 stars; one submission).

Conditions:
Cystic fibrosis (CF). Also called: MUCOVISCIDOSIS. Identifiers: Orphanet 586, MedGen C0010674, MONDO:0009061, OMIM 219700. Disease mechanism: loss of function.

Allele frequency attached by ClinVar (database versions not stated): gnomAD 0.00001; TOPMed 0.00001.
gnomAD v4.1: 3 of 1,613,938 alleles (0.00019%); highest among the groups gnomAD compares: African/African-American, 0.0013%; no homozygotes.

Submission:

Ambry Genetics
Classification: Uncertain significance for Cystic fibrosis. Last evaluated: 2024-08-17. Review status: criteria provided, single submitter. Criteria: Ambry Variant Classification Scheme 2023. Collection method: clinical testing. Allele origin: germline.
Comment: The p.K1363R variant (also known as c.4088A>G), located in coding exon 25 of the CFTR gene, results from an A to G substitution at nucleotide position 4088. The lysine at codon 1363 is replaced by arginine, an amino acid with highly similar properties. This amino acid position is well conserved in available vertebrate species. In addition, the in silico prediction for this alteration is inconclusive. Since supporting evidence is limited at this time, the clinical significance of this alteration remains unclear.

NM_000492.4(CFTR):c.4088A>G (p.Lys1363Arg)

Gene: CFTR (CF transmembrane conductance regulator; plus strand). Cytogenetic location: 7q31.2.
Variant type: single nucleotide variant.
Coding change: c.4088A>G on transcript NM_000492.4 (MANE Select); coding-DNA position 4088, A replaced by G.
Protein change: p.Lys1363Arg; replaces lysine 1363 with arginine.
Molecular consequence: missense variant.
Genome position (GRCh38, 1-based): chr7:117,664,812, A>G. VCF-style: chr7-117664812-A-G. GRCh37 (hg19) VCF-style: chr7-117304866-A-G.
Other names: short protein forms K1363R.
Identifiers: ClinVar variation 1737675 (VCV001737675.3), dbSNP rs1303156616, ClinGen allele CA368982749.
Genomic context (GRCh38, chr7:117,664,812, plus strand): 5'-GCTGTGTCCTAAGCCATGGCCACAAGCAGTTGATGTGCTTGGCTAGATCTGTTCTCAGTA[A>G]GGCGAAGATCTTGCTGCTTGATGAACCCAGTGCTCATTTGGATCCAGTGTGAGTTTCAGA-3'
Protein context (NP_000483.3, residues 1353-1373): LMCLARSVLS[Lys1363Arg]AKILLLDEPS